The following is an entry in ClinVar:

ClinVar aggregate classification (germline): Likely benign (0 of 4 stars; one submission).

Conditions:
SLC34A2-related disorder. Also called: SLC34A2-related condition.

Allele frequency attached by ClinVar (database versions not stated): ExAC 0.00002; gnomAD 0.00011; TOPMed 0.00017.

Submission:

PreventionGenetics, part of Exact Sciences
Classification: Likely benign for SLC34A2-related condition. Last evaluated: 2019-08-07. Review status: no assertion criteria provided. Collection method: clinical testing. Allele origin: germline.
Comment: This variant is classified as likely benign based on ACMG/AMP sequence variant interpretation guidelines (Richards et al. 2015 PMID: 25741868, with internal and published modifications).

NM_006424.3(SLC34A2):c.1644G>A (p.Ser548=)

Gene: SLC34A2 (solute carrier family 34 member 2; plus strand). Cytogenetic location: 4p15.2.
Variant type: single nucleotide variant.
Coding change: c.1644G>A on transcript NM_006424.3 (MANE Select); coding-DNA position 1644, G replaced by A.
Protein change: p.Ser548=; no amino-acid change (serine 548 retained).
Molecular consequence: synonymous variant.
Genome position (GRCh38, 1-based): chr4:25,676,320, G>A. VCF-style: chr4-25676320-G-A. GRCh37 (hg19) VCF-style: chr4-25677942-G-A.
Other names: c.1641G>A, p.Ser547= (NM_001177998.2, NM_001177999.2).
Identifiers: ClinVar variation 3034781 (VCV003034781.2), dbSNP rs777027111, ClinGen allele CA2879902.
Genomic context (GRCh38, chr4:25,676,320, plus strand): 5'-CGCCGTCTTCTACCTGATCATCTTCTTCTTCCTGATCCCGCTGACGGTGTTTGGCCTCTC[G>A]CTGGCCGGCTGGCGGGTGCTGGTTGGTGTCGGGGTTCCCGTCGTCTTCATCATCATCCTG-3'
Protein context (NP_006415.3, residues 538-558): FLIPLTVFGL[Ser548=]LAGWRVLVGV